The following is an entry in ClinVar:

ClinVar aggregate classification (germline): Uncertain significance (1 of 4 stars; one submission).

Submission:

Labcorp Genetics (formerly Invitae), Labcorp
Classification: Uncertain significance. Last evaluated: 2022-08-22. Review status: criteria provided, single submitter. Criteria: Invitae Variant Classification Sherloc (09022015). Collection method: clinical testing. Allele origin: germline.
Comment: In summary, the available evidence is currently insufficient to determine the role of this variant in disease. Therefore, it has been classified as a Variant of Uncertain Significance. Algorithms developed to predict the effect of missense changes on protein structure and function (SIFT, PolyPhen-2, Align-GVGD) all suggest that this variant is likely to be tolerated. This variant has not been reported in the literature in individuals affected with PNPLA8-related conditions. This variant is not present in population databases (gnomAD no frequency). This sequence change replaces isoleucine, which is neutral and non-polar, with leucine, which is neutral and non-polar, at codon 655 of the PNPLA8 protein (p.Ile655Leu).

NM_001256007.3(PNPLA8):c.1963A>T (p.Ile655Leu)

Gene: PNPLA8 (patatin like domain 8, phospholipase A2; minus strand). Cytogenetic location: 7q31.1.
Variant type: single nucleotide variant.
Coding change: c.1963A>T on transcript NM_001256007.3 (MANE Select); coding-DNA position 1963, A replaced by T.
Protein change: p.Ile655Leu; replaces isoleucine 655 with leucine.
Molecular consequence: missense variant.
Genome position (GRCh38, 1-based): chr7:108,479,295, T>A on the plus strand (A>T on the coding strand, the complement: PNPLA8 is on the minus strand). VCF-style: chr7-108479295-T-A. GRCh37 (hg19) VCF-style: chr7-108119739-T-A.
Other names: c.1963A>T, p.Ile655Leu (NM_001256008.3, NM_015723.5); c.1777A>T, p.Ile593Leu (NM_001256009.3); c.1663A>T, p.Ile555Leu (NM_001256010.3, NM_001256011.3); short protein forms I555L, I593L, I655L.
Identifiers: ClinVar variation 1717710 (VCV001717710.5), dbSNP rs766128926, ClinGen allele CA368892269.
Genomic context (GRCh38, chr7:108,479,295, plus strand): 5'-TTGTGTATGTTACCGTGTTTCTCACATCACTCTCATAACGTCCAGTGCCCAGGGATACTA[T>A]GCACTCTAACGGCACATCTGGCCAAAGACATTTACACTCATGCATAGCTAATGCCGAAGG-3'
Protein context (NP_001242936.1, residues 645-665): CLWPDVPLEC[Ile655Leu]VSLGTGRYES